The following is an entry in ClinVar:

NM_001363711.2(DUOX2):c.614C>A (p.Ser205Ter)

Gene: DUOX2 (dual oxidase 2; minus strand). Cytogenetic location: 15q21.1.
Variant type: single nucleotide variant.
Coding change: c.614C>A on transcript NM_001363711.2 (MANE Select); coding-DNA position 614, C replaced by A.
Protein change: p.Ser205Ter; replaces serine 205 with a stop codon.
Molecular consequence: nonsense.
Genome position (GRCh38, 1-based): chr15:45,111,485, G>T on the plus strand (C>A on the coding strand, the complement: DUOX2 is on the minus strand). VCF-style: chr15-45111485-G-T. GRCh37 (hg19) VCF-style: chr15-45403683-G-T.
Other names: c.614C>A, p.Ser205Ter (NM_014080.5); short protein forms S205*.
Identifiers: ClinVar variation 3348154 (VCV003348154.2).

ClinVar aggregate classification (germline): Likely pathogenic. Review status: criteria provided, single submitter (1 of 4 stars). 2 submissions from 2 submitters: Likely pathogenic (1). 1 of the submissions does not count toward it. Last evaluated 2026-08-06.

Conditions:
Thyroid dyshormonogenesis 6 (TDH6). Also called: HYPOTHYROIDISM, CONGENITAL, DUE TO DYSHORMONOGENESIS, 6; THYROID HORMONOGENESIS, GENETIC DEFECT IN, 6; Genetic transient congenital hypothyroidism. Identifiers: Orphanet 226316, Orphanet 95716, MedGen C1846632, MONDO:0011792, OMIM 607200.
DUOX2-related disorder. Also called: DUOX2-related condition.

Submissions (2):

OLLIN Analises Genomicas, OLLIN
Classification: Likely pathogenic for Thyroid dyshormonogenesis 6. Last evaluated: 2026-08-06. Review status: criteria provided, single submitter. Criteria: ACMG Guidelines 2015 PMID 25741868. Collection method: clinical testing. Allele origin: germline. Inheritance: Autosomal recessive inheritance.
Comment: This nonsense variant, located in exon 6 (of 34), is absent from gnomAD and has not been identified in the literature. However, it has been reported in ClinVar (accession VCV003348154.1). This variant introduces a premature stop codon, which is predicted to result in either a truncated protein or degradation of the mRNA via nonsense-mediated decay (NMD). According to the currently available evidence, this variant has been classified as likely pathogenic (PVS1, PM2_P).

PreventionGenetics, part of Exact Sciences
Classification: Likely pathogenic for DUOX2-related condition. Last evaluated: 2024-03-27. Review status: no assertion criteria provided. Collection method: clinical testing. Allele origin: germline. Not counted in ClinVar's aggregate classification.
Comment: The DUOX2 c.614C>A variant is predicted to result in premature protein termination (p.Ser205*). To our knowledge, this variant has not been reported in the literature or in a large population database, indicating this variant is rare. Nonsense variants in DUOX2 are expected to be pathogenic. This variant is interpreted as likely pathogenic.